The following is an entry in ClinVar:

NM_004946.3(DOCK2):c.631A>G (p.Met211Val)

Gene: DOCK2 (dedicator of cytokinesis 2; plus strand). Cytogenetic location: 5q35.1.
Variant type: single nucleotide variant.
Coding change: c.631A>G on transcript NM_004946.3 (MANE Select); coding-DNA position 631, A replaced by G.
Protein change: p.Met211Val; replaces methionine 211 with valine.
Molecular consequence: missense variant. On other transcripts: non-coding transcript variant (1).
Genome position (GRCh38, 1-based): chr5:169,684,220, A>G. VCF-style: chr5-169684220-A-G. GRCh37 (hg19) VCF-style: chr5-169111224-A-G.
Other names: c.631A>G, p.Met211Val (LRG_1227t1); short protein forms M211V.
Identifiers: ClinVar variation 542616 (VCV000542616.16), dbSNP rs151191554, ClinGen allele CA3553218.

ClinVar aggregate classification (germline): Benign/Likely benign. Review status: criteria provided, multiple submitters, no conflicts (2 of 4 stars). 4 submissions from 4 submitters: Benign (1); Likely benign (2). 1 of the submissions does not count toward it. Last evaluated 2026-02-06.

Conditions:
DOCK2 deficiency. Also called: Immunodeficiency 40. Identifiers: Orphanet 447737, MedGen C4225328, MONDO:0014637, OMIM 616433.
DOCK2-related disorder. Also called: DOCK2-related condition.

Allele frequency attached by ClinVar (database versions not stated): gnomAD exomes 0.00090; ExAC 0.00118; 1000 Genomes Project 30x 0.00250; 1000 Genomes Project 0.00280; gnomAD 0.00285 and 0.00305; TOPMed 0.00322; ESP Exome Variant Server 0.00331.
gnomAD v4.1: 1,032 of 1,614,126 alleles (0.064%); highest among the groups gnomAD compares: African/African-American, 1%; 8 homozygotes.

Submissions (4):

Women's Health and Genetics/Laboratory Corporation of America, LabCorp
Classification: Likely benign. Last evaluated: 2026-02-06. Review status: criteria provided, single submitter. Criteria: LabCorp Variant Classification Summary - May 2015. Collection method: clinical testing. Allele origin: germline.
Comment: Variant summary: DOCK2 c.631A>G (p.Met211Val) results in a conservative amino acid change in the encoded protein sequence. Algorithms developed to predict the effect of missense changes on protein structure and function all suggest that this variant is likely to be tolerated. The variant allele was found at a frequency of 0.0009 in 251348 control chromosomes, predominantly at a frequency of 0.011 within the African or African-American subpopulation in the gnomAD database. The observed variant frequency within African or African-American control individuals in the gnomAD database exceeds the estimated maximal expected allele frequency for disease-causing variants in DOCK2. To our knowledge, no occurrence of c.631A>G in individuals affected with DOCK2-related conditions and no experimental evidence demonstrating its impact on protein function have been reported. ClinVar contains an entry for this variant (Variation ID: 542616). Based on the evidence outlined above, the variant was classified as likely benign.

Labcorp Genetics (formerly Invitae), Labcorp
Classification: Benign for DOCK2 deficiency. Last evaluated: 2026-01-26. Review status: criteria provided, single submitter. Criteria: Invitae Variant Classification Sherloc (09022015). Collection method: clinical testing. Allele origin: germline.

Blueprint Genetics
Classification: Likely benign. Last evaluated: 2024-11-07. Review status: criteria provided, single submitter. Criteria: ACMG Guidelines, 2015. Collection method: clinical testing. Allele origin: germline.

PreventionGenetics, part of Exact Sciences
Classification: Likely benign for DOCK2-related condition. Last evaluated: 2024-02-02. Review status: no assertion criteria provided. Collection method: clinical testing. Allele origin: germline. Not counted in ClinVar's aggregate classification.
Comment: This variant is classified as likely benign based on ACMG/AMP sequence variant interpretation guidelines (Richards et al. 2015 PMID: 25741868, with internal and published modifications).